The following is an entry in ClinVar:

NM_001927.4(DES):c.898-5C>T

Gene: DES (desmin; plus strand). Cytogenetic location: 2q35.
Variant type: single nucleotide variant.
Coding change: c.898-5C>T on transcript NM_001927.4 (MANE Select); 5 bases into the intron before coding-DNA position 898, C replaced by T.
Molecular consequence: intron variant.
Genome position (GRCh38, 1-based): chr2:219,420,823, C>T. VCF-style: chr2-219420823-C-T. GRCh37 (hg19) VCF-style: chr2-220285545-C-T.
Other names: c.898-5C>T (LRG_380t1).
Identifiers: ClinVar variation 382847 (VCV000382847.11), dbSNP rs371053066, ClinGen allele CA16604128.
Genomic context (GRCh38, chr2:219,420,823, plus strand): 5'-CCCTTGCTCATCCCTACCCGTGCCCTGCATCCTTCTCATTTTTGGGCCCCTTTCTCTGCC[C>T]TTAGGTGTCAGACCTGACCCAGGCAGCCAACAAGAACAACGACGCCCTGCGCCAGGCCAA-3'

ClinVar aggregate classification (germline): Conflicting classifications of pathogenicity. Review status: criteria provided, conflicting classifications (1 of 4 stars). 3 submissions from 3 submitters: Uncertain significance (1); Likely benign (2). Last evaluated 2025-07-28.

Conditions:
Cardiovascular phenotype. Identifiers: MedGen CN230736.
Desmin-related myofibrillar myopathy (MFM1). Also called: MYOFIBRILLAR MYOPATHY WITH ARRHYTHMOGENIC RIGHT VENTRICULAR CARDIOMYOPATHY; DESMIN-RELATED MYOPATHY WITH ARRHYTHMOGENIC RIGHT VENTRICULAR CARDIOMYOPATHY; Myofibrillar myopathy 1; Desminopathy; Desmin related myopathy (former name); Desmin storage myopathy (former name). Identifiers: Orphanet 363543, Orphanet 98909, MedGen C1832370, MONDO:0011076, OMIM 601419.

Allele frequency attached by ClinVar (database versions not stated): gnomAD 0.00001; gnomAD exomes 0.00001; TOPMed 0.00001; ESP Exome Variant Server 0.00008.
gnomAD v4.1: 4 of 1,613,378 alleles (0.00025%); highest among the groups gnomAD compares: African/African-American, 0.0013%; no homozygotes.

Submissions (3):

Labcorp Genetics (formerly Invitae), Labcorp
Classification: Likely benign for Desmin-related myofibrillar myopathy. Last evaluated: 2025-07-28. Review status: criteria provided, single submitter. Criteria: Invitae Variant Classification Sherloc (09022015). Collection method: clinical testing. Allele origin: germline.

Ambry Genetics
Classification: Uncertain significance for Cardiovascular phenotype. Last evaluated: 2023-11-22. Review status: criteria provided, single submitter. Criteria: Ambry Variant Classification Scheme 2023. Collection method: clinical testing. Allele origin: germline.
Comment: The c.898-5C>T intronic variant results from a C to T substitution 5 nucleotides upstream from coding exon 5 in the DES gene. This nucleotide position is well conserved in available vertebrate species. In silico splice site analysis predicts that this alteration will not have any significant effect on splicing. Since supporting evidence is limited at this time, the clinical significance of this alteration remains unclear.

GeneDx
Classification: Likely benign. Last evaluated: 2016-01-11. Review status: criteria provided, single submitter. Criteria: GeneDx Variant Classification (06012015). Collection method: clinical testing. Allele origin: germline. Affected: yes.
Comment: This variant is considered likely benign or benign based on one or more of the following criteria: it is a conservative change, it occurs at a poorly conserved position in the protein, it is predicted to be benign by multiple in silico algorithms, and/or has population frequency not consistent with disease.